The following is an entry in ClinVar:

ClinVar aggregate classification (germline): Uncertain significance (1 of 4 stars; one submission).

Allele frequency attached by ClinVar (database versions not stated): gnomAD exomes below 0.00001; gnomAD 0.00001; TOPMed 0.00001; ExAC 0.00002.
gnomAD v4.1: 7 of 1,613,936 alleles (0.00043%); highest among the groups gnomAD compares: East Asian, 0.0045%; no homozygotes.

Submission:

Labcorp Genetics (formerly Invitae), Labcorp
Classification: Uncertain significance. Last evaluated: 2022-01-15. Review status: criteria provided, single submitter. Criteria: Invitae Variant Classification Sherloc (09022015). Collection method: clinical testing. Allele origin: germline.
Comment: In summary, the available evidence is currently insufficient to determine the role of this variant in disease. Therefore, it has been classified as a Variant of Uncertain Significance. Algorithms developed to predict the effect of sequence changes on RNA splicing suggest that this variant may create or strengthen a splice site. Algorithms developed to predict the effect of missense changes on protein structure and function are either unavailable or do not agree on the potential impact of this missense change (SIFT: "Deleterious"; PolyPhen-2: "Probably Damaging"; Align-GVGD: "Class C0"). This variant has not been reported in the literature in individuals affected with CDCA7-related conditions. This variant is present in population databases (rs749755731, gnomAD 0.02%). This sequence change replaces glycine, which is neutral and non-polar, with serine, which is neutral and polar, at codon 118 of the CDCA7 protein (p.Gly118Ser).

NM_031942.5(CDCA7):c.352G>A (p.Gly118Ser)

Gene: CDCA7 (cell division cycle associated 7; plus strand). Cytogenetic location: 2q31.1.
Variant type: single nucleotide variant.
Coding change: c.352G>A on transcript NM_031942.5 (MANE Select); coding-DNA position 352, G replaced by A.
Protein change: p.Gly118Ser; replaces glycine 118 with serine.
Molecular consequence: missense variant. On other transcripts: intron variant (1).
Genome position (GRCh38, 1-based): chr2:173,359,459, G>A. VCF-style: chr2-173359459-G-A. GRCh37 (hg19) VCF-style: chr2-174224187-G-A.
Other names: c.147+622G>A (NM_145810.3); short protein forms G118S.
Identifiers: ClinVar variation 1931740 (VCV001931740.5), dbSNP rs749755731, ClinGen allele CA1971212.
Genomic context (GRCh38, chr2:173,359,459, plus strand): 5'-GATGTCACTAACGAACTGGCCGGTATTTTTCATGCCGACTCTGACGATGAATCATTTTGC[G>A]GTTTCTCAGAGAGTGAGATACAAGATGGAATGGTGAGTTCGAGAATTTCACCAGTTTCAA-3'
Protein context (NP_114148.3, residues 108-128): HADSDDESFC[Gly118Ser]FSESEIQDGM